The following is an entry in ClinVar:

NM_000719.7(CACNA1C):c.1668A>C (p.Gln556His)

Gene: CACNA1C (calcium voltage-gated channel subunit alpha1 C; plus strand). Cytogenetic location: 12p13.33.
Variant type: single nucleotide variant.
Coding change: c.1668A>C on transcript NM_000719.7 (MANE Select); coding-DNA position 1668, A replaced by C.
Protein change: p.Gln556His; replaces glutamine 556 with histidine.
Molecular consequence: missense variant.
Genome position (GRCh38, 1-based): chr12:2,566,581, A>C. VCF-style: chr12-2566581-A-C. GRCh37 (hg19) VCF-style: chr12-2675747-A-C.
Other names: c.1668A>C, p.Gln556His (NM_001129836.2, NM_001129837.2, NM_001129838.2 and 18 more transcripts); c.1659A>C, p.Gln553His (NM_001129844.2); short protein forms Q556H, Q553H.
Identifiers: ClinVar variation 2127859 (VCV002127859.4), dbSNP rs2512777625, ClinGen allele CA383368735.

ClinVar aggregate classification (germline): Uncertain significance (1 of 4 stars; one submission).

Conditions:
Long QT syndrome (LQTS). Identifiers: MedGen C0023976, MeSH D008133, MONDO:0002442. Disease mechanism: loss of function. Inheritance: Various modes of inheritance.

Submission:

Labcorp Genetics (formerly Invitae), Labcorp
Classification: Uncertain significance for Long QT syndrome. Last evaluated: 2022-04-18. Review status: criteria provided, single submitter. Criteria: Invitae Variant Classification Sherloc (09022015). Collection method: clinical testing. Allele origin: germline.
Comment: In summary, the available evidence is currently insufficient to determine the role of this variant in disease. Therefore, it has been classified as a Variant of Uncertain Significance. Algorithms developed to predict the effect of missense changes on protein structure and function are either unavailable or do not agree on the potential impact of this missense change (SIFT: "Deleterious"; PolyPhen-2: "Possibly Damaging"; Align-GVGD: "Class C0"). This variant has not been reported in the literature in individuals affected with CACNA1C-related conditions. This variant is not present in population databases (gnomAD no frequency). This sequence change replaces glutamine, which is neutral and polar, with histidine, which is basic and polar, at codon 556 of the CACNA1C protein (p.Gln556His).